The following is an entry in ClinVar:

NM_000268.4(NF2):c.251ATG[1] (p.Asp85del)

Gene: NF2 (NF2, moesin-ezrin-radixin like (MERLIN) tumor suppressor; plus strand). Cytogenetic location: 22q12.2.
Variant type: Microsatellite.
Coding change: c.251ATG[1] on transcript NM_000268.4 (MANE Select); one copy of the 3-base unit ATG starting at c.251; the reference has two copies in a row; one copy, 3 bases deleted.
Protein change: p.Asp85del; deletes aspartic acid 85.
Molecular consequence: inframe deletion. On other transcripts: inframe indel (2), 5 prime UTR variant (1), intron variant (8).
Genome position (GRCh38, 1-based): chr22:29,639,103-29,639,105, ATG deleted; deleting any 3 consecutive bases within chr22:29,639,100-29,639,105 gives the same sequence; the position shown is the placement nearest the transcript's 3' end. VCF-style (leftmost placement, unchanged base first): chr22-29639099-CATG-C. GRCh37 (hg19) VCF-style: chr22-30035088-CATG-C.
Other names: c.251_253ATG[1], p.Asp85del (NM_000268.3); c.137ATG[1], p.Asp47del (NM_001407053.1, NM_001407056.1); c.125ATG[1], p.Asp43del (NM_001407055.1, NM_181828.3); c.251ATG[1], p.Asp85del (NM_001407057.1, NM_001407059.1, NM_001407060.1 and 5 more transcripts); c.-390ATG[1] (NM_001407065.1); c.20ATG[1], p.Asp8del (NM_001407067.1); c.240+2227_240+2229del (NM_001407058.1, NM_181829.3, NM_001407054.1 and 1 more transcripts); c.115-3099_115-3097del (NM_001407063.1, NM_181830.3, NM_001407064.1 and 1 more transcripts); and 1 more; short protein forms D43del, D47del, D85del, D8del.
Identifiers: ClinVar variation 4861029 (VCV004861029.1).

ClinVar aggregate classification (germline): Uncertain significance (1 of 4 stars; one submission).

Conditions:
Hereditary cancer-predisposing syndrome. Also called: Neoplastic Syndromes, Hereditary; Tumor predisposition; Hereditary Cancer Syndrome; Hereditary neoplastic syndrome. Identifiers: Orphanet 140162, MedGen C0027672, MeSH D009386, MONDO:0015356.

Submission:

Ambry Genetics
Classification: Uncertain significance for Hereditary cancer-predisposing syndrome. Last evaluated: 2026-05-26. Review status: criteria provided, single submitter. Criteria: Ambry Variant Classification Scheme 2023. Collection method: clinical testing. Allele origin: germline.
Comment: The c.254_256delATG variant (also known as p.D85del) is located in coding exon 3 of the NF2 gene. This variant results from an in-frame ATG deletion at nucleotide positions 254 to 256. This results in the in-frame deletion of an aspartic acid at codon 85. This amino acid position is well conserved in available vertebrate species. In addition, this variant is predicted to be deleterious by in silico analysis (Choi Y et al. PLoS ONE. 2012; 7(10):e46688). Based on the available evidence, the clinical significance of this variant remains unclear.